The following is an entry in ClinVar:

ClinVar aggregate classification (germline): Uncertain significance. Review status: criteria provided, multiple submitters, no conflicts (2 of 4 stars). 3 submissions from 3 submitters: Uncertain significance (3). Last evaluated 2025-10-25.

Allele frequency attached by ClinVar (database versions not stated): TOPMed 0.00002.
gnomAD v4.1: 169 of 1,613,384 alleles (0.01%); highest among the groups gnomAD compares: South Asian, 0.15%; 1 homozygote.

Submissions (3):

Labcorp Genetics (formerly Invitae), Labcorp
Classification: Uncertain significance. Last evaluated: 2025-10-25. Review status: criteria provided, single submitter. Criteria: Invitae Variant Classification Sherloc (09022015). Collection method: clinical testing. Allele origin: germline.
Comment: This sequence change replaces proline, which is neutral and non-polar, with leucine, which is neutral and non-polar, at codon 1215 of the SAMD9 protein (p.Pro1215Leu). This variant is present in population databases (rs34229036, gnomAD 0.1%), including at least one homozygous and/or hemizygous individual. This variant has not been reported in the literature in individuals affected with SAMD9-related conditions. ClinVar contains an entry for this variant (Variation ID: 1035374). Invitae Evidence Modeling of protein sequence and biophysical properties (such as structural, functional, and spatial information, amino acid conservation, physicochemical variation, residue mobility, and thermodynamic stability) has been performed for this missense variant. However, the output from this modeling did not meet the statistical confidence thresholds required to predict the impact of this variant on SAMD9 protein function. In summary, the available evidence is currently insufficient to determine the role of this variant in disease. Therefore, it has been classified as a Variant of Uncertain Significance.

Blueprint Genetics
Classification: Uncertain significance. Last evaluated: 2024-10-03. Review status: criteria provided, single submitter. Criteria: ACMG Guidelines, 2015. Collection method: clinical testing. Allele origin: germline.

GeneDx
Classification: Uncertain significance. Last evaluated: 2024-06-26. Review status: criteria provided, single submitter. Criteria: GeneDx Variant Classification Process June 2021. Collection method: clinical testing. Allele origin: germline. Affected: yes.
Comment: In silico analysis supports that this missense variant has a deleterious effect on protein structure/function; Has not been previously published as pathogenic or benign to our knowledge; This variant is associated with the following publications: (PMID: Bhatia2022[CaseReport])

NM_017654.4(SAMD9):c.3644C>T (p.Pro1215Leu)

Gene: SAMD9 (sterile alpha motif domain containing 9; minus strand). Cytogenetic location: 7q21.2.
Variant type: single nucleotide variant.
Coding change: c.3644C>T on transcript NM_017654.4 (MANE Select); coding-DNA position 3644, C replaced by T.
Protein change: p.Pro1215Leu; replaces proline 1215 with leucine.
Molecular consequence: missense variant.
Genome position (GRCh38, 1-based): chr7:93,102,454, G>A on the plus strand (C>T on the coding strand, the complement: SAMD9 is on the minus strand). VCF-style: chr7-93102454-G-A. GRCh37 (hg19) VCF-style: chr7-92731767-G-A.
Other names: c.3644C>T, p.Pro1215Leu (NM_001193307.2); c.3644C>T (NM_017654.3); short protein forms P1215L.
Identifiers: ClinVar variation 1035374 (VCV001035374.7), dbSNP rs34229036, ClinGen allele CA4342672.
Genomic context (GRCh38, chr7:93,102,454, plus strand): 5'-CTTCCTGATACAAAATTGACCATATATCTTTTAGATAGCTCATTTTTATTATCAAAAAAA[G>A]GAATGAGCTGGAGAATTTGGATTGTGTAAAGCCCAACTTCTATCTCTCCTTGATAACCAG-3'
Protein context (NP_060124.2, residues 1205-1225): LYTIQILQLI[Pro1215Leu]FFDNKNELSK